The following is an entry in ClinVar:

ClinVar aggregate classification (germline): Uncertain significance. Review status: criteria provided, multiple submitters, no conflicts (2 of 4 stars). 2 submissions from 2 submitters: Uncertain significance (2). Last evaluated 2025-11-19.

Conditions:
Hereditary cancer-predisposing syndrome. Also called: Neoplastic Syndromes, Hereditary; Hereditary neoplastic syndrome; Tumor predisposition; Hereditary Cancer Syndrome. Identifiers: Orphanet 140162, MedGen C0027672, MeSH D009386, MONDO:0015356.
Familial cancer of breast. Also called: Hereditary breast cancer; BREAST CANCER, FAMILIAL; hereditary breast carcinoma. Identifiers: Orphanet 227535, MedGen C0346153, MONDO:0016419, OMIM 114480. Disease mechanism: loss of function.
Fanconi anemia complementation group J. Also called: BRIP1-Related Fanconi Anemia. Identifiers: Orphanet 84, MedGen C1836860, MONDO:0012187, OMIM 609054.

Allele frequency attached by ClinVar (database versions not stated): gnomAD exomes below 0.00001.
gnomAD v4.1: 1 of 1,613,794 alleles (0.000062%); highest among the groups gnomAD compares: African/African-American, 0.0013%; no homozygotes.

Submissions (2):

Labcorp Genetics (formerly Invitae), Labcorp
Classification: Uncertain significance for Familial cancer of breast; Fanconi anemia complementation group J. Last evaluated: 2025-11-19. Review status: criteria provided, single submitter. Criteria: Invitae Variant Classification Sherloc (09022015). Collection method: clinical testing. Allele origin: germline.
Comment: This sequence change falls in intron 14 of the BRIP1 gene. It does not directly change the encoded amino acid sequence of the BRIP1 protein. It affects a nucleotide within the consensus splice site. This variant is not present in population databases (gnomAD no frequency). This variant has not been reported in the literature in individuals affected with BRIP1-related conditions. ClinVar contains an entry for this variant (Variation ID: 665059). Variants that disrupt the consensus splice site are a relatively common cause of aberrant splicing (PMID: 17576681, 9536098). Algorithms developed to predict the effect of sequence changes on RNA splicing suggest that this variant is not likely to affect RNA splicing. In summary, the available evidence is currently insufficient to determine the role of this variant in disease. Therefore, it has been classified as a Variant of Uncertain Significance.

Color Diagnostics, LLC DBA Color Health
Classification: Uncertain significance for Hereditary cancer-predisposing syndrome. Last evaluated: 2019-05-09. Review status: criteria provided, single submitter. Criteria: ACMG Guidelines, 2015. Collection method: clinical testing. Allele origin: germline.

Literature cited by the submitters: PubMed 17576681 (cited by Labcorp Genetics (formerly Invitae), Labcorp); PubMed 9536098 (cited by Labcorp Genetics (formerly Invitae), Labcorp).

NM_032043.3(BRIP1):c.2097+6G>A

Gene: BRIP1 (BRCA1 interacting DNA helicase 1; minus strand). Cytogenetic location: 17q23.2.
Variant type: single nucleotide variant.
Coding change: c.2097+6G>A on transcript NM_032043.3 (MANE Select); 6 bases into the intron after coding-DNA position 2097, G replaced by A.
Molecular consequence: intron variant.
Genome position (GRCh38, 1-based): chr17:61,776,395, C>T on the plus strand (G>A on the coding strand, the complement: BRIP1 is on the minus strand). VCF-style: chr17-61776395-C-T. GRCh37 (hg19) VCF-style: chr17-59853756-C-T.
Identifiers: ClinVar variation 665059 (VCV000665059.14), dbSNP rs1603328382, ClinGen allele CA913188886.
Genomic context (GRCh38, chr17:61,776,395, plus strand): 5'-AGCATGCCAATGTTTAAAATGTAAATGATTATTTAAAGGCAAAAGAAACAATAAATATTC[C>T]CTTACCTTGTAAGATGGCAAGAAACACAAAATTCCTTGGCTCACAGTCTGGCACACAGAT-3'